The following is an entry in ClinVar:

NM_000127.3(EXT1):c.818_823delinsAAGGC (p.Thr273fs)

Gene: EXT1 (exostosin glycosyltransferase 1; minus strand). Cytogenetic location: 8q24.11.
Variant type: Indel.
Coding change: c.818_823delinsAAGGC on transcript NM_000127.3 (MANE Select); coding-DNA positions 818 to 823, CAGGGA replaced by AAGGC.
Protein change: p.Thr273fs; shifts the reading frame from threonine 273.
Molecular consequence: frameshift variant.
Genome position (GRCh38, 1-based): chr8:118,110,224-118,110,229, TCCCTG replaced by GCCTT on the plus strand (CAGGGA replaced by AAGGC on the coding strand, the reverse complement: EXT1 is on the minus strand). VCF-style: chr8-118110224-TCCCTG-GCCTT. GRCh37 (hg19) VCF-style: chr8-119122463-TCCCTG-GCCTT.
Other names: short protein forms T273fs.
Identifiers: ClinVar variation 970664 (VCV000970664.6), dbSNP rs1817870176, ClinGen allele CA1139660740.

ClinVar aggregate classification (germline): Pathogenic (1 of 4 stars; one submission).

Conditions:
Multiple congenital exostosis (EXT). Also called: Hereditary multiple osteochondromas; MULTIPLE CARTILAGINOUS EXOSTOSES; Multiple exostoses; Hereditary multiple exostoses; Hereditary multiple exostosis; Multiple osteochondromas. Identifiers: Orphanet 321, MedGen C0015306, MONDO:0005508, HP:0002762.

Submission:

Labcorp Genetics (formerly Invitae), Labcorp
Classification: Pathogenic for Multiple congenital exostosis. Last evaluated: 2019-09-29. Review status: criteria provided, single submitter. Criteria: Invitae Variant Classification Sherloc (09022015). Collection method: clinical testing. Allele origin: germline.
Comment: Loss-of-function variants in EXT1 are known to be pathogenic (PMID: 10679937, 11391482, 19810120). Algorithms developed to predict the effect of sequence changes on RNA splicing suggest that this variant may create or strengthen a splice site, but this prediction has not been confirmed by published transcriptional studies. This variant has been observed in individuals affected with hereditary multiple osteochondromas (Invitae). This variant is not present in population databases (ExAC no frequency). This sequence change creates a premature translational stop signal (p.Thr273Lysfs*3) in the EXT1 gene. It is expected to result in an absent or disrupted protein product. For these reasons, this variant has been classified as Pathogenic.

Literature cited by the submitters: PubMed 10679937; PubMed 11391482; PubMed 19810120.